The following is an entry in ClinVar:

NM_001849.4(COL6A2):c.1277G>C (p.Arg426Thr)

Gene: COL6A2 (collagen type VI alpha 2 chain; plus strand). Cytogenetic location: 21q22.3.
Variant type: single nucleotide variant.
Coding change: c.1277G>C on transcript NM_001849.4 (MANE Select); coding-DNA position 1277, G replaced by C.
Protein change: p.Arg426Thr; replaces arginine 426 with threonine.
Molecular consequence: missense variant.
Genome position (GRCh38, 1-based): chr21:46,119,795, G>C. VCF-style: chr21-46119795-G-C. GRCh37 (hg19) VCF-style: chr21-47539709-G-C.
Other names: c.1277G>C, p.Arg426Thr (NM_058174.3, NM_058175.3); short protein forms R426T.
Identifiers: ClinVar variation 662099 (VCV000662099.9), dbSNP rs760573983, ClinGen allele CA10071816.

ClinVar aggregate classification (germline): Uncertain significance (1 of 4 stars; one submission).

Conditions:
Bethlem myopathy 1A. Also called: Bethlem Muscular Dystrophy; Bethlem myopathy 1; MYOPATHY, BENIGN CONGENITAL, WITH CONTRACTURES. Identifiers: Orphanet 610, MedGen CN029274, MONDO:0024530, OMIM 158810.

Allele frequency attached by ClinVar (database versions not stated): gnomAD exomes below 0.00001; gnomAD 0.00001; ExAC 0.00005.
gnomAD v4.1: 2 of 1,562,030 alleles (0.00013%); highest among the groups gnomAD compares: African/African-American, 0.0027%; no homozygotes.

Submission:

Labcorp Genetics (formerly Invitae), Labcorp
Classification: Uncertain significance for Bethlem myopathy 1A. Last evaluated: 2022-06-04. Review status: criteria provided, single submitter. Criteria: Invitae Variant Classification Sherloc (09022015). Collection method: clinical testing. Allele origin: germline.
Comment: This sequence change replaces arginine, which is basic and polar, with threonine, which is neutral and polar, at codon 426 of the COL6A2 protein (p.Arg426Thr). The frequency data for this variant in the population databases is considered unreliable, as metrics indicate poor data quality at this position in the gnomAD database. This variant has not been reported in the literature in individuals affected with COL6A2-related conditions. ClinVar contains an entry for this variant (Variation ID: 662099). Advanced modeling of protein sequence and biophysical properties (such as structural, functional, and spatial information, amino acid conservation, physicochemical variation, residue mobility, and thermodynamic stability) performed at Invitae indicates that this missense variant is not expected to disrupt COL6A2 protein function. In summary, the available evidence is currently insufficient to determine the role of this variant in disease. Therefore, it has been classified as a Variant of Uncertain Significance.